The following is an entry in ClinVar:

ClinVar aggregate classification (germline): Uncertain significance. Review status: criteria provided, multiple submitters, no conflicts (2 of 4 stars). 3 submissions from 3 submitters: Uncertain significance (3). Last evaluated 2025-02-10.

Conditions:
Cardiovascular phenotype. Identifiers: MedGen CN230736.

Allele frequency attached by ClinVar (database versions not stated): gnomAD exomes below 0.00001 and 0.00001; gnomAD 0.00001; TOPMed 0.00001.
gnomAD v4.1: 5 of 1,614,136 alleles (0.00031%); highest among the groups gnomAD compares: Non-Finnish European, 0.00042%; no homozygotes.

Submissions (3):

Ambry Genetics
Classification: Uncertain significance for Cardiovascular phenotype. Last evaluated: 2025-02-10. Review status: criteria provided, single submitter. Criteria: Ambry Variant Classification Scheme 2023. Collection method: clinical testing. Allele origin: germline.
Comment: The p.C109Y variant (also known as c.326G>A), located in coding exon 4 of the ABCG8 gene, results from a G to A substitution at nucleotide position 326. The cysteine at codon 109 is replaced by tyrosine, an amino acid with highly dissimilar properties. This amino acid position is conserved. In addition, the in silico prediction for this alteration is inconclusive. Based on the available evidence, the clinical significance of this variant remains unclear.

Labcorp Genetics (formerly Invitae), Labcorp
Classification: Uncertain significance. Last evaluated: 2023-12-07. Review status: criteria provided, single submitter. Criteria: Invitae Variant Classification Sherloc (09022015). Collection method: clinical testing. Allele origin: germline.
Comment: This sequence change replaces cysteine, which is neutral and slightly polar, with tyrosine, which is neutral and polar, at codon 109 of the ABCG8 protein (p.Cys109Tyr). This variant is present in population databases (no rsID available, gnomAD 0.0009%). This variant has not been reported in the literature in individuals affected with ABCG8-related conditions. ClinVar contains an entry for this variant (Variation ID: 1163791). Algorithms developed to predict the effect of missense changes on protein structure and function output the following: SIFT: "Not Available"; PolyPhen-2: "Benign"; Align-GVGD: "Not Available". The tyrosine amino acid residue is found in multiple mammalian species, which suggests that this missense change does not adversely affect protein function. In summary, the available evidence is currently insufficient to determine the role of this variant in disease. Therefore, it has been classified as a Variant of Uncertain Significance.

Mayo Clinic Laboratories, Mayo Clinic
Classification: Uncertain significance. Last evaluated: 2020-12-23. Review status: criteria provided, single submitter. Criteria: ACMG Guidelines, 2015. Collection method: clinical testing. Allele origin: germline. Observed: 1 variant allele.

NM_022437.3(ABCG8):c.326G>A (p.Cys109Tyr)

Gene: ABCG8 (ATP binding cassette subfamily G member 8; plus strand). Cytogenetic location: 2p21.
Variant type: single nucleotide variant.
Coding change: c.326G>A on transcript NM_022437.3 (MANE Select); coding-DNA position 326, G replaced by A.
Protein change: p.Cys109Tyr; replaces cysteine 109 with tyrosine.
Molecular consequence: missense variant.
Genome position (GRCh38, 1-based): chr2:43,851,587, G>A. VCF-style: chr2-43851587-G-A. GRCh37 (hg19) VCF-style: chr2-44078726-G-A.
Other names: c.326G>A, p.Cys109Tyr (NM_001357321.2); short protein forms C109Y.
Identifiers: ClinVar variation 1163791 (VCV001163791.9), dbSNP rs1037114607, ClinGen allele CA46440285.